The following is an entry in ClinVar:

NM_138773.4(SLC25A46):c.1218C>A (p.Thr406=)

Gene: SLC25A46 (solute carrier family 25 member 46; plus strand). Cytogenetic location: 5q22.1.
Variant type: single nucleotide variant.
Coding change: c.1218C>A on transcript NM_138773.4 (MANE Select); coding-DNA position 1218, C replaced by A.
Protein change: p.Thr406=; no amino-acid change (threonine 406 retained).
Molecular consequence: synonymous variant. On other transcripts: non-coding transcript variant (1).
Genome position (GRCh38, 1-based): chr5:110,761,743, C>A. VCF-style: chr5-110761743-C-A. GRCh37 (hg19) VCF-style: chr5-110097443-C-A.
Other names: c.975C>A, p.Thr325= (NM_001303249.3); c.945C>A, p.Thr315= (NM_001303250.3); c.1218C>A (NM_138773.3).
Identifiers: ClinVar variation 1656613 (VCV001656613.9), dbSNP rs530497959, ClinGen allele CA125344944.

ClinVar aggregate classification (germline): Likely benign. Review status: criteria provided, multiple submitters, no conflicts (2 of 4 stars). 2 submissions from 2 submitters: Likely benign (2). Last evaluated 2026-06-15.

Conditions:
SLC25A46-related disorder. Also called: SLC25A46-related condition.
Neuropathy, hereditary motor and sensory, type 6B (HMSN6B). Also called: HMSN VIB; CHARCOT-MARIE-TOOTH DISEASE, TYPE 6B; NEUROPATHY, HEREDITARY MOTOR AND SENSORY, TYPE VIB, WITH OPTIC ATROPHY; Neuropathy, hereditary motor and sensory, type VIB. Identifiers: MedGen C4225302, MONDO:0014671, OMIM 616505.

Allele frequency attached by ClinVar (database versions not stated): gnomAD exomes below 0.00001; gnomAD 0.00001; TOPMed 0.00001; 1000 Genomes Project 30x 0.00016; 1000 Genomes Project 0.00020.

Submissions (2):

PreventionGenetics, part of Exact Sciences
Classification: Likely benign for SLC25A46-related condition. Last evaluated: 2026-06-15. Review status: criteria provided, single submitter. Criteria: ACMG Guidelines, 2015. Collection method: clinical testing. Allele origin: germline.
Comment: This variant is classified as likely benign based on ACMG/AMP sequence variant interpretation guidelines (Richards et al. 2015 PMID: 25741868, with internal and published modifications).

Labcorp Genetics (formerly Invitae), Labcorp
Classification: Likely benign for Neuropathy, hereditary motor and sensory, type 6B. Last evaluated: 2022-08-20. Review status: criteria provided, single submitter. Criteria: Invitae Variant Classification Sherloc (09022015). Collection method: clinical testing. Allele origin: germline.